The following is an entry in ClinVar:

ClinVar aggregate classification (germline): Pathogenic (1 of 4 stars; one submission).

Conditions:
Progressive sclerosing poliodystrophy (MTDPS4A). Also called: Alpers-Huttenlocher Syndrome (AHS); Alpers Syndrome; ALPERS PROGRESSIVE INFANTILE POLIODYSTROPHY; Mitochondrial DNA depletion syndrome 4A (Alpers type); ALPERS DIFFUSE DEGENERATION OF CEREBRAL GRAY MATTER WITH HEPATIC CIRRHOSIS; Alpers-Huttenlocher Syndrome. Identifiers: Orphanet 726, MedGen C0205710, MONDO:0008758, OMIM 203700.

Submission:

Wong Mito Lab, Molecular and Human Genetics, Baylor College of Medicine
Classification: Pathogenic for Progressive sclerosing poliodystrophy. Last evaluated: 2018-10-01. Review status: criteria provided, single submitter. Criteria: ACMG Guidelines, 2015. Collection method: clinical testing. Allele origin: germline.
Comment: The NM_002693.2:c.3490_3493dup (NP_002684.1:p.Ala1165ValfsTer9) [GRCH38: NC_000015.10:g.89317528_89317531dup] variant in POLG gene is interpretated to be a Pathogenic based on ACMG guidelines (PMID: 25741868). This variant meets the following evidence codes reported in the ACMG-guideline. PVS1:This variant is a predicted null variant in POLG where loss of function is a known mechanism of disease. PM2:This variant is absent in key population databases. PM3:Detected in trans with a pathogenic variant for Mitochondrial DNA depletion syndrome 4A (Alpers type) which is a recessive disorder. PM4:This variant causes alteration in the length of expressed protein. PP1:This variant is co-segregated with Mitochondrial DNA depletion syndrome 4A (Alpers type) in multiple affected family members. PP4:Patient's phenotype or family history is highly specific for POLG. Based on the evidence criteria codes applied, the variant is suggested to be Pathogenic.

NM_002693.3(POLG):c.3490_3493dup (p.Ala1165fs)

Gene: POLG (DNA polymerase gamma, catalytic subunit; minus strand). Cytogenetic location: 15q26.1.
Variant type: Duplication.
Coding change: c.3490_3493dup on transcript NM_002693.3 (MANE Select); coding-DNA positions 3490 to 3493, 4 bases duplicated (TTTG; older notation c.3490_3493dupTTTG).
Protein change: p.Ala1165fs; shifts the reading frame from alanine 1165.
Molecular consequence: frameshift variant.
Genome position (GRCh38, 1-based): chr15:89,317,526-89,317,529, CAAA duplicated on the plus strand (TTTG on the coding strand, the reverse complement: POLG is on the minus strand); duplicating any 4 consecutive bases within chr15:89,317,526-89,317,531 gives the same sequence; the c. name uses the placement nearest the transcript's 3' end. VCF-style (leftmost placement, unchanged base first): chr15-89317525-G-GCAAA. GRCh37 (hg19) VCF-style: chr15-89860756-G-GCAAA.
Other names: c.3490_3493dup, p.Ala1165fs (NM_001126131.2); short protein forms A1165fs.
Identifiers: ClinVar variation 619402 (VCV000619402.1), dbSNP rs778115255, ClinGen allele CA7724110.